The following is an entry in ClinVar:

ClinVar aggregate classification (germline): Pathogenic. Review status: criteria provided, multiple submitters, no conflicts (2 of 4 stars). 5 submissions from 5 submitters: Pathogenic (3). 2 of the submissions do not count toward it. Last evaluated 2025-03-24.

Conditions:
Cohen syndrome (COH1). Also called: PEPPER SYNDROME; Cutis verticis gyrata, retinitis pigmentosa, and sensorineural deafness. Identifiers: Orphanet 193, MedGen C0265223, MONDO:0008999, OMIM 216550.

Allele frequency attached by ClinVar (database versions not stated): gnomAD exomes below 0.00001 and 0.00001; TOPMed below 0.00001; ExAC 0.00001; gnomAD 0.00001.
gnomAD v4.1: 12 of 1,613,808 alleles (0.00074%); highest among the groups gnomAD compares: South Asian, 0.0011%; no homozygotes.

Submissions (5):

Natera, Inc.
Classification: Pathogenic for Cohen syndrome. Last evaluated: 2025-03-24. Review status: criteria provided, single submitter. Criteria: Natera Variant Classification Schema (03/2026). Collection method: clinical testing. Allele origin: germline.
Comment: The c.7051C>T variant in VPS13B is a nonsense variant predicted to introduce a stop codon at amino acid 2351. This variant is expected to result in nonsense mediated decay, truncation, or a dysfunctional protein product. This variant is rare in the general population with a frequency below the threshold expected for the associated phenotype(s). This variant has been observed in one or more individuals affected with the associated recessive disease, as either homozygous or compound heterozygous with a second variant (PMID: 12730828, 15173253). Given the available evidence, this variant is classified as Pathogenic.

Labcorp Genetics (formerly Invitae), Labcorp
Classification: Pathogenic for Cohen syndrome. Last evaluated: 2023-07-25. Review status: criteria provided, single submitter. Criteria: Invitae Variant Classification Sherloc (09022015). Collection method: clinical testing. Allele origin: germline.
Comment: ClinVar contains an entry for this variant (Variation ID: 2820). This sequence change creates a premature translational stop signal (p.Arg2351*) in the VPS13B gene. It is expected to result in an absent or disrupted protein product. Loss-of-function variants in VPS13B are known to be pathogenic (PMID: 15141358, 16648375, 20461111). This variant is present in population databases (rs120074150, gnomAD 0.003%). This premature translational stop signal has been observed in individuals with clinical features of Cohen syndrome (PMID: 15173253). It has also been observed to segregate with disease in related individuals. For these reasons, this variant has been classified as Pathogenic.

GeneDx
Classification: Pathogenic. Last evaluated: 2019-12-30. Review status: criteria provided, single submitter. Criteria: GeneDx Variant Classification Process June 2021. Collection method: clinical testing. Allele origin: germline. Affected: yes.
Comment: Not observed at a significant frequency in large population cohorts (Lek et al., 2016); Nonsense variant predicted to result in protein truncation or nonsense mediated decay in a gene for which loss-of-function is a known mechanism of disease; This variant is associated with the following publications: (PMID: 12730828, 25525159)

Counsyl
Classification: Pathogenic for Cohen syndrome. Last evaluated: 2017-03-29. Review status: no assertion criteria provided. Collection method: clinical testing. Allele origin: unknown. Not counted in ClinVar's aggregate classification.

OMIM
Classification: Pathogenic for COHEN SYNDROME. Last evaluated: 2003-06-01. Review status: no assertion criteria provided. Collection method: literature only. Allele origin: germline. Not counted in ClinVar's aggregate classification.

Literature cited by the submitters: PubMed 12730828 (cited by 3 submitters); PubMed 15173253 (cited by 3 submitters); PubMed 15141358 (cited by Labcorp Genetics (formerly Invitae), Labcorp); PubMed 16648375 (cited by Labcorp Genetics (formerly Invitae), Labcorp); PubMed 20461111 (cited by Labcorp Genetics (formerly Invitae), Labcorp); PubMed 25525159 (cited by Counsyl).

NM_152564.5(VPS13B):c.6976C>T (p.Arg2326Ter)

Gene: VPS13B (vacuolar protein sorting 13 homolog B; plus strand). Cytogenetic location: 8q22.2.
Variant type: single nucleotide variant.
Coding change: c.6976C>T on transcript NM_152564.5 (MANE Select); coding-DNA position 6976, C replaced by T.
Protein change: p.Arg2326Ter; replaces arginine 2326 with a stop codon.
Molecular consequence: nonsense.
Genome position (GRCh38, 1-based): chr8:99,720,973, C>T. VCF-style: chr8-99720973-C-T. GRCh37 (hg19) VCF-style: chr8-100733201-C-T.
Other names: c.7051C>T, p.Arg2351Ter (NM_017890.5); short protein forms R2351*, R2326*.
Identifiers: ClinVar variation 2820 (VCV000002820.17), dbSNP rs120074150, ClinGen allele CA252428.
Genomic context (GRCh38, chr8:99,720,973, plus strand): 5'-GAAGATTGCCCAGGGATGATGTTATGGAGATATCCAGAACCTAGAGTACTCACCCTTGTA[C>T]GAATAACTCCTGTACCTTTTAACACCACAGAGGATCCAGATATTAGCACAGCAGACCTTG-3'